The following is an entry in ClinVar:

NM_001142800.2(EYS):c.8269G>A (p.Val2757Ile)

Genes: EYS (EGF-like photoreceptor maintenance factor; minus strand), PHF3 (PHD finger protein 3; plus strand). Cytogenetic location: 6q12.
Variant type: single nucleotide variant.
Coding change: c.8269G>A on transcript NM_001142800.2 (MANE Select); coding-DNA position 8269, G replaced by A.
Protein change: p.Val2757Ile; replaces valine 2757 with isoleucine.
Molecular consequence: missense variant. On other transcripts: 3 prime UTR variant (5).
Genome position (GRCh38, 1-based): chr6:63,721,762, C>T on the plus strand (G>A on the coding strand, the complement: EYS is on the minus strand). VCF-style: chr6-63721762-C-T. GRCh37 (hg19) VCF-style: chr6-64431658-C-T.
Other names: c.*8054C>T (NM_001290259.2, NM_001370348.2, NM_001370349.2 and 2 more transcripts); c.8332G>A, p.Val2778Ile (NM_001292009.2); short protein forms V2757I, V2778I.
Identifiers: ClinVar variation 4819980 (VCV004819980.2).

ClinVar aggregate classification (germline): Uncertain significance. Review status: criteria provided, multiple submitters, no conflicts (2 of 4 stars). 2 submissions from 2 submitters: Uncertain significance (2). Last evaluated 2026-02-25.

Conditions:
Retinitis pigmentosa 25 (RP25). Identifiers: Orphanet 791, MedGen C1864446, MONDO:0011272, OMIM 602772.
Retinal disorder. Also called: Retinal disorders; Retinopathies; Retinal Diseases; Retinopathy. Identifiers: MedGen C0035309, MONDO:0005283, HP:0000488.

gnomAD v4.1: 6 of 1,550,906 alleles (0.00039%); highest among the groups gnomAD compares: South Asian, 0.0012%; no homozygotes.

Submissions (2):

Myriad Genetics, Inc.
Classification: Uncertain significance for Retinitis pigmentosa 25. Last evaluated: 2026-02-25. Review status: criteria provided, single submitter. Criteria: Myriad Autosomal Dominant, Autosomal Recessive and X-Linked Classification Criteria (2023). Collection method: clinical testing. Allele origin: unknown.
Comment: NM_001142800.1(EYS):c.8269G>A(V2757I) is a missense variant classified as a variant of uncertain significance in the context of retinitis pigmentosa, EYS-related. V2757I has been observed in a case with relevant disease (PMID: 33058741). Relevant functional assessments of this variant are not available in the literature. V2757I has been observed in referenced population frequency databases. In summary, there is insufficient evidence to classify NM_001142800.1(EYS):c.8269G>A(V2757I) as pathogenic or benign. Please note: this variant was assessed in the context of healthy population screening.

Genetics Laboratory, Great Ormond Street Hospital NHS Foundation Trust, North Thames Genomic Laboratory Hub
Classification: Uncertain significance for Retinal disorders. Last evaluated: 2026-02-10. Review status: criteria provided, single submitter. Criteria: ACGS Best Practice Guidelines for Variant Classification in Rare Disease 2024 v1.2. Collection method: clinical testing. Allele origin: germline. Affected: yes.
Comment: PM2_moderate, PM3_moderate

Literature cited by the submitters: PubMed 33058741 (cited by Myriad Genetics, Inc.).